The following is an entry in ClinVar:

ClinVar aggregate classification (germline): Uncertain significance (1 of 4 stars; one submission).

Conditions:
Diamond-Blackfan anemia. Also called: Blackfan Diamond syndrome; Aregenerative anemia chronic congenital; Red cell aplasia, pure hereditary; Congenital hypoplastic anemia; Aase syndrome. Identifiers: Orphanet 124, MedGen C1260899, MeSH D029503, MONDO:0015253, HP:0004810.

Submission:

Labcorp Genetics (formerly Invitae), Labcorp
Classification: Uncertain significance for Diamond-Blackfan anemia. Last evaluated: 2024-04-25. Review status: criteria provided, single submitter. Criteria: Invitae Variant Classification Sherloc (09022015). Collection method: clinical testing. Allele origin: germline.
Comment: This sequence change replaces glycine, which is neutral and non-polar, with arginine, which is basic and polar, at codon 127 of the RPS19 protein (p.Gly127Arg). This variant is not present in population databases (gnomAD no frequency). This missense change has been observed in individual(s) with RPS19-related conditions (PMID: 29114930). An algorithm developed to predict the effect of missense changes on protein structure and function (PolyPhen-2) suggests that this variant is likely to be disruptive. This variant disrupts the p.Gly127 amino acid residue in RPS19. Other variant(s) that disrupt this residue have been determined to be pathogenic (PMID: 10590074, 12586610, 17517689, 31574871; Invitae). This suggests that this residue is clinically significant, and that variants that disrupt this residue are likely to be disease-causing. In summary, the available evidence is currently insufficient to determine the role of this variant in disease. Therefore, it has been classified as a Variant of Uncertain Significance.

Literature cited by the submitters: PubMed 29114930; PubMed 10590074; PubMed 12586610; PubMed 17517689; PubMed 31574871.

NM_001022.4(RPS19):c.379G>A (p.Gly127Arg)

Genes: RPS19-CD79A (RPS19-CD79A readthrough; plus strand), RPS19 (ribosomal protein S19; plus strand). Cytogenetic location: 19q13.2.
Variant type: single nucleotide variant.
Coding change: c.379G>A on transcript NM_001022.4 (MANE Select); coding-DNA position 379, G replaced by A.
Protein change: p.Gly127Arg; replaces glycine 127 with arginine.
Molecular consequence: missense variant.
Genome position (GRCh38, 1-based): chr19:41,869,721, G>A. VCF-style: chr19-41869721-G-A. GRCh37 (hg19) VCF-style: chr19-42373791-G-A.
Other names: c.379G>A, p.Gly127Arg (NM_001321483.2, NM_001321484.2); c.392G>A, p.Gly131Glu (NM_001321485.2); short protein forms G131E, G127R.
Identifiers: ClinVar variation 3704488 (VCV003704488.2).